The following is an entry in ClinVar:

ClinVar aggregate classification (germline): Uncertain significance (1 of 4 stars; one submission).

Allele frequency attached by ClinVar (database versions not stated): gnomAD 0.00003.
gnomAD v4.1: 9 of 700,286 alleles (0.0013%); no homozygotes.

Submission:

Labcorp Genetics (formerly Invitae), Labcorp
Classification: Uncertain significance. Last evaluated: 2022-04-29. Review status: criteria provided, single submitter. Criteria: Invitae Variant Classification Sherloc (09022015). Collection method: clinical testing. Allele origin: germline.
Comment: In summary, the available evidence is currently insufficient to determine the role of this variant in disease. Therefore, it has been classified as a Variant of Uncertain Significance. This variant has not been reported in the literature in individuals affected with RNU4ATAC-related conditions. This variant is present in population databases (no rsID available, gnomAD 0.02%). This variant occurs in the RNU4ATAC gene, which encodes an RNA molecule that does not result in a protein product.

NC_000002.12:g.121530989T>C

Genes: RNU4ATAC (RNA, U4atac small nuclear; plus strand), CLASP1 (cytoplasmic linker associated protein 1; minus strand), CLASP1-AS1 (CLASP1 antisense RNA 1; plus strand). Cytogenetic location: 2q14.2.
Variant type: single nucleotide variant.
Molecular consequence: intron variant (on NM_001395891.1).
Genome position: GRCh38 VCF-style: chr2-121530989-T-C. GRCh37 (hg19) VCF-style: chr2-122288565-T-C.
Other names: c.196-664A>G (NM_001142274.2, NM_015282.3, NM_001378003.1 and 5 more transcripts).
Identifiers: ClinVar variation 2101431 (VCV002101431.4), dbSNP rs1384319470, ClinGen allele CA428888194.